The following is an entry in ClinVar:

NM_194248.3(OTOF):c.5344T>C (p.Ser1782Pro)

Gene: OTOF (otoferlin; minus strand). Cytogenetic location: 2p23.3.
Variant type: single nucleotide variant.
Coding change: c.5344T>C on transcript NM_194248.3 (MANE Select); coding-DNA position 5344, T replaced by C.
Protein change: p.Ser1782Pro; replaces serine 1782 with proline.
Molecular consequence: missense variant.
Genome position (GRCh38, 1-based): chr2:26,461,885, A>G on the plus strand (T>C on the coding strand, the complement: OTOF is on the minus strand). VCF-style: chr2-26461885-A-G. GRCh37 (hg19) VCF-style: chr2-26684753-A-G.
Other names: c.5344T>C, p.Ser1782Pro (NM_001287489.2); c.3043T>C, p.Ser1015Pro (NM_004802.4, NM_194323.3); c.3274T>C, p.Ser1092Pro (NM_194322.3); short protein forms S1015P, S1092P, S1782P.
Identifiers: ClinVar variation 4879949 (VCV004879949.1).

ClinVar aggregate classification (germline): VUS-high (0 of 4 stars; one submission).

Conditions:
Autosomal recessive nonsyndromic hearing loss 9. Also called: NEUROSENSORY NONSYNDROMIC RECESSIVE DEAFNESS 9; OTOF-Related Hearing Loss; Deafness, autosomal recessive 9; AUDITORY NEUROPATHY, AUTOSOMAL RECESSIVE, 1, TEMPERATURE-SENSITIVE. Identifiers: Orphanet 90636, MedGen C1832828, MONDO:0010986, OMIM 601071.

Submission:

Diagnosis and Treatment Center of Genetic Hearing Loss, Eye & ENT Hospital of Fudan University
Classification: VUS-high for Autosomal recessive nonsyndromic hearing loss 9. Last evaluated: 2026-02-04. Review status: no assertion criteria provided. Collection method: clinical testing. Allele origin: germline. Inheritance: Autosomal recessive inheritance. Affected: yes.
Comment: The c.5344T>C missense variant in OTOF is absent from population databases (PM2_Supporting). It was found in trans with pathogenic c.2521G>A (PM3). The REVEL score is 0.845 (PP3_Moderate).